The following is an entry in ClinVar:

ClinVar aggregate classification (germline): Uncertain significance (1 of 4 stars; one submission).

Submission:

CeGaT Center for Human Genetics Tuebingen
Classification: Uncertain significance. Last evaluated: 2025-12-01. Review status: criteria provided, single submitter. Criteria: CeGaT Center For Human Genetics Tuebingen Variant Classification Criteria Version 2. Collection method: clinical testing. Allele origin: germline. Affected: yes. Observed: 1 variant allele.
Comment: PKP2: PM2, BP1, BP4

NM_001005242.3(PKP2):c.1300G>A (p.Ala434Thr)

Gene: PKP2 (plakophilin 2; minus strand). Cytogenetic location: 12p11.21.
Variant type: single nucleotide variant.
Coding change: c.1300G>A on transcript NM_001005242.3 (MANE Select); coding-DNA position 1300, G replaced by A.
Protein change: p.Ala434Thr; replaces alanine 434 with threonine.
Molecular consequence: missense variant.
Genome position (GRCh38, 1-based): chr12:32,850,844, C>T on the plus strand (G>A on the coding strand, the complement: PKP2 is on the minus strand). VCF-style: chr12-32850844-C-T. GRCh37 (hg19) VCF-style: chr12-33003778-C-T.
Other names: c.1300G>A, p.Ala434Thr (NM_001407155.1, NM_001407156.1, NM_001407157.1 and 2 more transcripts); c.973G>A, p.Ala325Thr (NM_001407158.1, NM_001407159.1, NM_001407160.1 and 1 more transcripts); short protein forms A325T, A434T.
Identifiers: ClinVar variation 4681845 (VCV004681845.5).